The following is an entry in ClinVar:

ClinVar aggregate classification (germline): Likely benign. Review status: criteria provided, multiple submitters, no conflicts (2 of 4 stars). 3 submissions from 3 submitters: Likely benign (3). Last evaluated 2024-06-25.

Conditions:
Cardiomyopathy (CMYO). Also called: Cardiomyopathies. Identifiers: Orphanet 167848, MedGen C0878544, MONDO:0004994, HP:0001638. Inheritance: Various modes of inheritance.
Hypertrophic cardiomyopathy. Also called: HYPERTROPHIC MYOCARDIOPATHY. Identifiers: Orphanet 217569, MedGen C0007194, MeSH D002312, MONDO:0005045, HP:0001639.

Allele frequency attached by ClinVar (database versions not stated): gnomAD 0.00001.
gnomAD v4.1: 1 of 1,613,910 alleles (0.000062%); highest among the groups gnomAD compares: Non-Finnish European, 0.000085%; no homozygotes.

Submissions (3):

Labcorp Genetics (formerly Invitae), Labcorp
Classification: Likely benign for Hypertrophic cardiomyopathy. Last evaluated: 2024-06-25. Review status: criteria provided, single submitter. Criteria: Invitae Variant Classification Sherloc (09022015). Collection method: clinical testing. Allele origin: germline.

All of Us Research Program, National Institutes of Health
Classification: Likely benign for Hypertrophic cardiomyopathy. Last evaluated: 2024-04-16. Review status: criteria provided, single submitter. Criteria: ACMG Guidelines, 2015. Collection method: clinical testing. Allele origin: germline. Inheritance: Autosomal dominant inheritance. Observed: 1 variant allele, 1 heterozygote.
Comment: This study involves interpretation of variants in research participants for the purpose of population health screening. Participant phenotype was not available at the time of variant classification. Additional details can be found in publication PMID: 35346344, PMCID: PMC8962531

Color Diagnostics, LLC DBA Color Health
Classification: Likely benign for Cardiomyopathy. Last evaluated: 2021-11-19. Review status: criteria provided, single submitter. Criteria: ACMG Guidelines, 2015. Collection method: clinical testing. Allele origin: germline.

NM_000256.3(MYBPC3):c.1659C>T (p.Asp553=)

Gene: MYBPC3 (myosin binding protein C3; minus strand). Cytogenetic location: 11p11.2.
Variant type: single nucleotide variant.
Coding change: c.1659C>T on transcript NM_000256.3 (MANE Select); coding-DNA position 1659, C replaced by T.
Protein change: p.Asp553=; no amino-acid change (aspartic acid 553 retained).
Molecular consequence: synonymous variant.
Genome position (GRCh38, 1-based): chr11:47,342,122, G>A on the plus strand (C>T on the coding strand, the complement: MYBPC3 is on the minus strand). VCF-style: chr11-47342122-G-A. GRCh37 (hg19) VCF-style: chr11-47363673-G-A.
Identifiers: ClinVar variation 2723731 (VCV002723731.5), dbSNP rs2095889272, ClinGen allele CA474219028.